The following is an entry in ClinVar:

ClinVar aggregate classification (germline): Uncertain significance (1 of 4 stars; one submission).

Conditions:
SEMA3F-related disorder. Also called: SEMA3F-related condition.

Allele frequency attached by ClinVar (database versions not stated): ESP Exome Variant Server 0.00038; 1000 Genomes Project 0.00080; 1000 Genomes Project 30x 0.00094; ExAC 0.00019.
gnomAD v4.1: 490 of 1,594,796 alleles (0.031%); highest among the groups gnomAD compares: Admixed American, 0.1%; 1 homozygote.

Submission:

PreventionGenetics, part of Exact Sciences
Classification: Uncertain significance for SEMA3F-related condition. Last evaluated: 2026-08-24. Review status: criteria provided, single submitter. Criteria: ACMG Guidelines, 2015. Collection method: clinical testing. Allele origin: germline.
Comment: The SEMA3F c.1963C>A variant is predicted to result in the amino acid substitution p.Arg655Ser. This variant has been reported as a variant of uncertain significance in a pediatric obesity cohort (Melendez-Montañez and De Jesús-Rojas. 2024. PubMed ID: 38674329). This variant is reported in 0.058% of alleles in individuals of Latino descent in gnomAD, which may be too frequent to be a primary cause of disease. Although we suspect this variant may be benign, at this time its clinical significance is uncertain due to the absence of conclusive functional and genetic evidence.

NM_004186.5(SEMA3F):c.1963C>A (p.Arg655Ser)

Gene: SEMA3F (semaphorin 3F; plus strand). Cytogenetic location: 3p21.31.
Variant type: single nucleotide variant.
Coding change: c.1963C>A on transcript NM_004186.5 (MANE Select); coding-DNA position 1963, C replaced by A.
Protein change: p.Arg655Ser; replaces arginine 655 with serine.
Molecular consequence: missense variant.
Genome position (GRCh38, 1-based): chr3:50,187,720, C>A. VCF-style: chr3-50187720-C-A. GRCh37 (hg19) VCF-style: chr3-50225153-C-A.
Other names: c.1666C>A, p.Arg556Ser (NM_001318798.2); c.1870C>A, p.Arg624Ser (NM_001318800.2); short protein forms R556S, R624S, R655S.
Identifiers: ClinVar variation 2634374 (VCV002634374.4), dbSNP rs143620746, ClinGen allele CA2412304.